The following is an entry in ClinVar:

NM_003630.3(PEX3):c.500G>A (p.Ser167Asn)

Gene: PEX3 (peroxisomal biogenesis factor 3; plus strand). Cytogenetic location: 6q24.2.
Variant type: single nucleotide variant.
Coding change: c.500G>A on transcript NM_003630.3 (MANE Select); coding-DNA position 500, G replaced by A.
Protein change: p.Ser167Asn; replaces serine 167 with asparagine.
Molecular consequence: missense variant.
Genome position (GRCh38, 1-based): chr6:143,471,426, G>A. VCF-style: chr6-143471426-G-A. GRCh37 (hg19) VCF-style: chr6-143792563-G-A.
Other names: short protein forms S167N.
Identifiers: ClinVar variation 1713529 (VCV001713529.5), dbSNP rs1780072292, ClinGen allele CA365910679.

ClinVar aggregate classification (germline): Uncertain significance (1 of 4 stars; one submission).

Allele frequency attached by ClinVar (database versions not stated): gnomAD exomes 0.00001.
gnomAD v4.1: 7 of 1,607,588 alleles (0.00044%); highest among the groups gnomAD compares: Non-Finnish European, 0.0006%; no homozygotes.

Submission:

Labcorp Genetics (formerly Invitae), Labcorp
Classification: Uncertain significance. Last evaluated: 2023-05-08. Review status: criteria provided, single submitter. Criteria: Invitae Variant Classification Sherloc (09022015). Collection method: clinical testing. Allele origin: germline.
Comment: This variant is not present in population databases (gnomAD no frequency). This sequence change replaces serine, which is neutral and polar, with asparagine, which is neutral and polar, at codon 167 of the PEX3 protein (p.Ser167Asn). This variant has not been reported in the literature in individuals affected with PEX3-related conditions. In summary, the available evidence is currently insufficient to determine the role of this variant in disease. Therefore, it has been classified as a Variant of Uncertain Significance. Advanced modeling of protein sequence and biophysical properties (such as structural, functional, and spatial information, amino acid conservation, physicochemical variation, residue mobility, and thermodynamic stability) performed at Invitae indicates that this missense variant is not expected to disrupt PEX3 protein function. ClinVar contains an entry for this variant (Variation ID: 1713529).